The following is an entry in ClinVar:

NM_005529.7(HSPG2):c.204C>A (p.Asp68Glu)

Gene: HSPG2 (heparan sulfate proteoglycan 2; minus strand). Cytogenetic location: 1p36.12.
Variant type: single nucleotide variant.
Coding change: c.204C>A on transcript NM_005529.7 (MANE Select); coding-DNA position 204, C replaced by A.
Protein change: p.Asp68Glu; replaces aspartic acid 68 with glutamic acid.
Molecular consequence: missense variant.
Genome position (GRCh38, 1-based): chr1:21,895,962, G>T on the plus strand (C>A on the coding strand, the complement: HSPG2 is on the minus strand). VCF-style: chr1-21895962-G-T. GRCh37 (hg19) VCF-style: chr1-22222455-G-T.
Other names: c.204C>A, p.Asp68Glu (NM_001291860.2); short protein forms D68E.
Identifiers: ClinVar variation 283808 (VCV000283808.37), dbSNP rs1869780, ClinGen allele CA673979.
Genomic context (GRCh38, chr1:21,895,962, plus strand): 5'-GGAGGCCTGCAGCAACTTACCCATCTGGAAGTCCCCGCTGCCCAGGTCCCCACTGCCCAG[G>T]TCGTCTATAAGCAAAAAAGAGATGTAATCAGCAACAACAAGTATTTGTTGAGTACCTACT-3'
Protein context (NP_005520.4, residues 58-78): DMLADSISGD[Asp68Glu]LGSGDLGSGD

ClinVar aggregate classification (germline): Benign/Likely benign. Review status: criteria provided, multiple submitters, no conflicts (2 of 4 stars). 11 submissions from 10 submitters: Benign (6); Likely benign (4). 1 of the submissions does not count toward it. Last evaluated 2026-09-01.

Conditions:
HSPG2-related disorder. Also called: HSPG2-related condition; HSPG2-related disorders.
Schwartz-Jampel syndrome. Also called: Myotonic myopathy dwarfism chondrodystrophy and ocular and facial abnormalities. Identifiers: Orphanet 800, MedGen C0036391, MONDO:0009717.
Lethal Kniest-like syndrome (DDSH). Also called: Dyssegmental Dysplasia. Identifiers: Orphanet 1865, MedGen C1857100, MONDO:0009140, OMIM 224410.

Allele frequency attached by ClinVar (database versions not stated): ESP Exome Variant Server 0.00100; gnomAD 0.00131 and 0.00145; TOPMed 0.00152; gnomAD exomes 0.00158 and 0.00222; ExAC 0.00193; 1000 Genomes Project 30x 0.00234; 1000 Genomes Project 0.00240.
gnomAD v4.1: 2,500 of 1,614,084 alleles (0.15%); highest among the groups gnomAD compares: East Asian, 1.4%; 16 homozygotes.

Submissions (11):

CeGaT Center for Human Genetics Tuebingen
Classification: Benign. Last evaluated: 2026-09-01. Review status: criteria provided, single submitter. Criteria: CeGaT Center For Human Genetics Tuebingen Variant Classification Criteria Version 2. Collection method: clinical testing. Allele origin: germline. Affected: yes. Observed: 4 variant alleles.
Comment: HSPG2: BP4, BS1, BS2

Labcorp Genetics (formerly Invitae), Labcorp
Classification: Benign. Last evaluated: 2026-01-23. Review status: criteria provided, single submitter. Criteria: Invitae Variant Classification Sherloc (09022015). Collection method: clinical testing. Allele origin: germline.

Athena Diagnostics
Classification: Benign. Last evaluated: 2025-04-09. Review status: criteria provided, single submitter. Criteria: Athena Diagnostics Criteria. Collection method: clinical testing. Allele origin: unknown.
Comment: The frequency of this variant in the general population is higher than would generally be expected for pathogenic variants in this gene.

Blueprint Genetics
Classification: Likely benign. Last evaluated: 2024-11-21. Review status: criteria provided, single submitter. Criteria: ACMG Guidelines, 2015. Collection method: clinical testing. Allele origin: germline.

ARUP Laboratories, Molecular Genetics and Genomics, ARUP Laboratories
Classification: Likely benign. Last evaluated: 2023-10-06. Review status: criteria provided, single submitter. Criteria: ARUP Molecular Germline Variant Investigation Process 2024. Collection method: clinical testing. Allele origin: germline.

GeneDx
Classification: Benign. Last evaluated: 2020-10-13. Review status: criteria provided, single submitter. Criteria: GeneDx Variant Classification Process June 2021. Collection method: clinical testing. Allele origin: germline. Affected: yes.

Illumina Laboratory Services, Illumina
Classification: Benign for Schwartz-Jampel syndrome type 1. Last evaluated: 2017-04-27. Review status: criteria provided, single submitter. Criteria: ICSL Variant Classification Criteria 13 December 2019. Collection method: clinical testing. Allele origin: germline.
Comment: This variant was observed as part of a predisposition screen in an ostensibly healthy population. A literature search was performed for the gene, cDNA change, and amino acid change (where applicable). No publications were found based on this search. Allele frequency data from public databases was too high to be consistent with this variant causing disease. Therefore, this variant is classified as benign.

Illumina Laboratory Services, Illumina
Classification: Benign for Lethal Kniest-like syndrome. Last evaluated: 2017-04-27. Review status: criteria provided, single submitter. Criteria: ICSL Variant Classification Criteria 13 December 2019. Collection method: clinical testing. Allele origin: germline.
Comment: the same text as in the submission from Illumina Laboratory Services, Illumina above.

Eurofins Ntd Llc (ga)
Classification: Likely benign. Last evaluated: 2015-10-16. Review status: criteria provided, single submitter. Criteria: EGL Classification Definitions 2015. Collection method: clinical testing. Allele origin: germline. Observed: 1 variant allele, 1 heterozygote.

Breakthrough Genomics
Classification: Likely benign. Review status: criteria provided, single submitter. Criteria: ACMG Guidelines, 2015. Collection method: not provided. Allele origin: germline. Inheritance: Autosomal recessive inheritance. Affected: yes.

PreventionGenetics, part of Exact Sciences
Classification: Benign for HSPG2-related condition. Last evaluated: 2019-07-01. Review status: no assertion criteria provided. Collection method: clinical testing. Allele origin: germline. Not counted in ClinVar's aggregate classification.
Comment: This variant is classified as benign based on ACMG/AMP sequence variant interpretation guidelines (Richards et al. 2015 PMID: 25741868, with internal and published modifications).